The following is an entry in ClinVar:

NM_019032.6(ADAMTSL4):c.1534C>T (p.Arg512Trp)

Genes: ADAMTSL4 (ADAMTS like 4; plus strand), ADAMTSL4-AS2 (ADAMTSL4 antisense RNA 2; minus strand). Cytogenetic location: 1q21.2.
Variant type: single nucleotide variant.
Coding change: c.1534C>T on transcript NM_019032.6 (MANE Select); coding-DNA position 1534, C replaced by T.
Protein change: p.Arg512Trp; replaces arginine 512 with tryptophan.
Molecular consequence: missense variant.
Genome position (GRCh38, 1-based): chr1:150,556,324, C>T. VCF-style: chr1-150556324-C-T. GRCh37 (hg19) VCF-style: chr1-150528800-C-T.
Other names: c.1603C>T, p.Arg535Trp (NM_001288607.2, NM_001288608.2); c.1534C>T, p.Arg512Trp (NM_001378596.1, NM_025008.5); short protein forms R512W, R535W.
Identifiers: ClinVar variation 292534 (VCV000292534.7), dbSNP rs773512669, ClinGen allele CA1078293.

ClinVar aggregate classification (germline): Uncertain significance. Review status: criteria provided, multiple submitters, no conflicts (2 of 4 stars). 4 submissions from 3 submitters: Uncertain significance (4). Last evaluated 2023-04-11.

Conditions:
Ectopia lentis 2, isolated, autosomal recessive (ECTOL2). Identifiers: Orphanet 1885, MedGen C3541474, MONDO:0009152, OMIM 225100.
Ectopia lentis et pupillae. Also called: ECTOPIA LENTIS WITH ECTOPIA OF PUPIL. Identifiers: Orphanet 1885, MedGen C1644196, MONDO:0009153, OMIM 225200.

Allele frequency attached by ClinVar (database versions not stated): gnomAD 0.00001; ExAC 0.00004; gnomAD exomes 0.00004.
gnomAD v4.1: 32 of 1,613,936 alleles (0.002%); highest among the groups gnomAD compares: Middle Eastern, 0.033%; no homozygotes.

Submissions (4):

Genome-Nilou Lab
Classification: Uncertain significance for Ectopia lentis et pupillae. Last evaluated: 2023-04-11. Review status: criteria provided, single submitter. Criteria: ACMG Guidelines, 2015. Collection method: clinical testing. Allele origin: germline. Affected: no.

Genome-Nilou Lab
Classification: Uncertain significance for Ectopia lentis 2, isolated, autosomal recessive. Last evaluated: 2023-04-11. Review status: criteria provided, single submitter. Criteria: ACMG Guidelines, 2015. Collection method: clinical testing. Allele origin: germline. Affected: no.

Labcorp Genetics (formerly Invitae), Labcorp
Classification: Uncertain significance. Last evaluated: 2022-07-31. Review status: criteria provided, single submitter. Criteria: Invitae Variant Classification Sherloc (09022015). Collection method: clinical testing. Allele origin: germline.
Comment: This sequence change replaces arginine, which is basic and polar, with tryptophan, which is neutral and slightly polar, at codon 512 of the ADAMTSL4 protein (p.Arg512Trp). This variant is present in population databases (rs773512669, gnomAD 0.02%). This variant has not been reported in the literature in individuals affected with ADAMTSL4-related conditions. ClinVar contains an entry for this variant (Variation ID: 292534). Algorithms developed to predict the effect of missense changes on protein structure and function (SIFT, PolyPhen-2, Align-GVGD) all suggest that this variant is likely to be disruptive. In summary, the available evidence is currently insufficient to determine the role of this variant in disease. Therefore, it has been classified as a Variant of Uncertain Significance.

Illumina Laboratory Services, Illumina
Classification: Uncertain significance for Ectopia lentis 2, isolated, autosomal recessive. Last evaluated: 2018-01-12. Review status: criteria provided, single submitter. Criteria: ICSL Variant Classification Criteria 13 December 2019. Collection method: clinical testing. Allele origin: germline.